The following is an entry in ClinVar:

NM_002742.3(PRKD1):c.1140C>T (p.Gly380=)

Gene: PRKD1 (protein kinase D1; minus strand). Cytogenetic location: 14q12.
Variant type: single nucleotide variant.
Coding change: c.1140C>T on transcript NM_002742.3 (MANE Select); coding-DNA position 1140, C replaced by T.
Protein change: p.Gly380=; no amino-acid change (glycine 380 retained).
Molecular consequence: synonymous variant.
Genome position (GRCh38, 1-based): chr14:29,636,340, G>A on the plus strand (C>T on the coding strand, the complement: PRKD1 is on the minus strand). VCF-style: chr14-29636340-G-A. GRCh37 (hg19) VCF-style: chr14-30105546-G-A.
Other names: c.1164C>T (NM_001330069.1); c.1164C>T, p.Gly388= (NM_001330069.2); c.876C>T, p.Gly292= (NM_001348390.1).
Identifiers: ClinVar variation 732998 (VCV000732998.31), dbSNP rs55831426, ClinGen allele CA7141269.

ClinVar aggregate classification (germline): Benign/Likely benign. Review status: criteria provided, multiple submitters, no conflicts (2 of 4 stars). 5 submissions from 5 submitters: Benign (2); Likely benign (2). 1 of the submissions does not count toward it. Last evaluated 2026-04-01.

Conditions:
PRKD1-related disorder. Also called: PRKD1-related condition.

Allele frequency attached by ClinVar (database versions not stated): gnomAD 0.00177 and 0.00188; 1000 Genomes Project 30x 0.00219; 1000 Genomes Project 0.00220; ESP Exome Variant Server 0.00223; TOPMed 0.00227.
gnomAD v4.1: 672 of 1,614,146 alleles (0.042%); highest among the groups gnomAD compares: African/African-American, 0.65%; 1 homozygote.

Submissions (5):

CeGaT Center for Human Genetics Tuebingen
Classification: Likely benign. Last evaluated: 2026-04-01. Review status: criteria provided, single submitter. Criteria: CeGaT Center For Human Genetics Tuebingen Variant Classification Criteria Version 2. Collection method: clinical testing. Allele origin: germline. Affected: yes. Observed: 4 variant alleles.
Comment: PRKD1: BP4, BP7

Blueprint Genetics
Classification: Likely benign. Last evaluated: 2024-11-27. Review status: criteria provided, single submitter. Criteria: ACMG Guidelines, 2015. Collection method: clinical testing. Allele origin: germline.

Labcorp Genetics (formerly Invitae), Labcorp
Classification: Benign. Last evaluated: 2019-12-31. Review status: criteria provided, single submitter. Criteria: Invitae Variant Classification Sherloc (09022015). Collection method: clinical testing. Allele origin: germline.

Breakthrough Genomics
Classification: Benign. Review status: criteria provided, single submitter. Criteria: ACMG Guidelines, 2015. Collection method: not provided. Allele origin: germline. Inheritance: Autosomal dominant inheritance. Affected: yes.

PreventionGenetics, part of Exact Sciences
Classification: Likely benign for PRKD1-related condition. Last evaluated: 2019-02-16. Review status: no assertion criteria provided. Collection method: clinical testing. Allele origin: germline. Not counted in ClinVar's aggregate classification.
Comment: This variant is classified as likely benign based on ACMG/AMP sequence variant interpretation guidelines (Richards et al. 2015 PMID: 25741868, with internal and published modifications).